The following is an entry in ClinVar:

NM_002519.3(NPAT):c.3173C>A (p.Pro1058Gln)

Gene: NPAT (nuclear protein, coactivator of histone transcription; minus strand). Cytogenetic location: 11q22.3.
Variant type: single nucleotide variant.
Coding change: c.3173C>A on transcript NM_002519.3 (MANE Select); coding-DNA position 3173, C replaced by A.
Protein change: p.Pro1058Gln; replaces proline 1058 with glutamine.
Molecular consequence: missense variant.
Genome position (GRCh38, 1-based): chr11:108,161,913, G>T on the plus strand (C>A on the coding strand, the complement: NPAT is on the minus strand). VCF-style: chr11-108161913-G-T. GRCh37 (hg19) VCF-style: chr11-108032640-G-T.
Other names: c.3194C>A, p.Pro1065Gln (NM_001321307.1); short protein forms P1065Q, P1058Q.
Identifiers: ClinVar variation 3407250 (VCV003407250.1).

ClinVar aggregate classification (germline): Uncertain significance (1 of 4 stars; one submission).

Submission:

Ambry Genetics
Classification: Uncertain significance. Last evaluated: 2024-10-21. Review status: criteria provided, single submitter. Criteria: Ambry Variant Classification Scheme 2023. Collection method: clinical testing. Allele origin: germline.
Comment: The p.P1058Q variant (also known as c.3173C>A), located in coding exon 17 of the NPAT gene, results from a C to A substitution at nucleotide position 3173. The proline at codon 1058 is replaced by glutamine, an amino acid with similar properties. This amino acid position is conserved. In addition, this alteration is predicted to be tolerated by in silico analysis. Based on the available evidence, the clinical significance of this variant remains unclear.